The following is an entry in ClinVar:

NM_000138.5(FBN1):c.8090_8099del (p.Pro2697fs)

Gene: FBN1 (fibrillin 1; minus strand). Cytogenetic location: 15q21.1.
Variant type: Deletion.
Coding change: c.8090_8099del on transcript NM_000138.5 (MANE Select); coding-DNA positions 8090 to 8099, 10 bases deleted (CAGAGCCACC; older notation c.8090_8099delCAGAGCCACC).
Protein change: p.Pro2697fs; shifts the reading frame from proline 2697.
Molecular consequence: frameshift variant.
Genome position (GRCh38, 1-based): chr15:48,412,696-48,412,705, GGTGGCTCTG deleted on the plus strand (CAGAGCCACC on the coding strand, the reverse complement: FBN1 is on the minus strand); deleting any 10 consecutive bases within chr15:48,412,696-48,412,708 gives the same sequence; the c. name uses the placement nearest the transcript's 3' end. VCF-style (leftmost placement, unchanged base first): chr15-48412695-AGGTGGCTCTG-A. GRCh37 (hg19) VCF-style: chr15-48704892-AGGTGGCTCTG-A.
Other names: c.8087_8096delACCCAGAGCC, p.Pro2697Leufs (NM_001406716.1); short protein forms P2697fs.
Identifiers: ClinVar variation 2431891 (VCV002431891.1), dbSNP rs2505375669, ClinGen allele CA2580089610.
Genomic context (GRCh38, chr15:48,412,695, plus strand): 5'-GATCTTACACTCGTAACAAGCCTCTGGGGAGAGTGAATTGTCATCCATTTCACCACTGAC[AGGTGGCTCTG>A]GGTTTCCTCGGCCCATGCCCATTCCAGAAACACAGTGCCTGCAGCAGAAGGGGAGCATAG-3'

ClinVar aggregate classification (germline): Likely pathogenic (1 of 4 stars; one submission).

Conditions:
Marfan syndrome (MFS). Also called: MARFAN SYNDROME, TYPE I; FBN1-Related Marfan Syndrome; Marfan syndrome type 1; Marfan's syndrome; Marfan syndrome, classic. Identifiers: Orphanet 284963, Orphanet 558, MedGen C0024796, MONDO:0007947, OMIM 154700.

Submission:

Laboratorio de Genetica e Diagnostico Molecular, Hospital Israelita Albert Einstein
Classification: Likely pathogenic for Marfan syndrome. Last evaluated: 2022-03-15. Review status: criteria provided, single submitter. Criteria: ACMG Guidelines, 2015. Collection method: clinical testing. Allele origin: germline. Affected: yes. Observed: 1 variant allele.
Comment: ACMG classification criteria: PVS1 strong, PM2 supporting, PP4